The following is an entry in ClinVar:

NM_201384.3(PLEC):c.8080_8084dup (p.Ser2696fs)

Gene: PLEC (plectin; minus strand). Cytogenetic location: 8q24.3.
Variant type: Duplication.
Coding change: c.8080_8084dup on transcript NM_201384.3 (MANE Select); coding-DNA positions 8080 to 8084, 5 bases duplicated (GGCCG; older notation c.8080_8084dupGGCCG).
Protein change: p.Ser2696fs; shifts the reading frame from serine 2696.
Molecular consequence: frameshift variant.
Genome position (GRCh38, 1-based): chr8:143,921,737-143,921,741, CGGCC duplicated on the plus strand (GGCCG on the coding strand, the reverse complement: PLEC is on the minus strand); duplicating any 5 consecutive bases within chr8:143,921,737-143,921,742 gives the same sequence; the c. name uses the placement nearest the transcript's 3' end. VCF-style (leftmost placement, unchanged base first): chr8-143921736-G-GCGGCC. GRCh37 (hg19) VCF-style: chr8-144995904-G-GCGGCC.
Other names: c.8161_8165dup, p.Ser2723fs (NM_000445.5); c.8038_8042dup, p.Ser2682fs (NM_201378.4); c.8014_8018dup, p.Ser2674fs (NM_201379.3); c.8491_8495dup, p.Ser2833fs (NM_201380.4); c.7984_7988dup, p.Ser2664fs (NM_201381.3); c.8080_8084dup, p.Ser2696fs (NM_201382.4); c.8092_8096dup, p.Ser2700fs (NM_201383.3); short protein forms S2696fs, S2723fs, S2674fs, S2700fs, S2833fs, S2682fs, S2664fs.
Identifiers: ClinVar variation 840189 (VCV000840189.10), dbSNP rs1186518181, ClinGen allele CA586158221.

ClinVar aggregate classification (germline): Pathogenic. Review status: criteria provided, multiple submitters, no conflicts (2 of 4 stars). 2 submissions from 2 submitters: Pathogenic (2). Last evaluated 2024-05-20.

Conditions:
Epidermolysis bullosa simplex 5C, with pyloric atresia (EBS5C). Also called: PLEC1-Related Epidermolysis Bullosa with Pyloric Atresia; Epidermolysis bullosa simplex with pyloric atresia; PLEC-Related Epidermolysis Bullosa with Pyloric Atresia. Identifiers: Orphanet 158684, MedGen C2677349, MONDO:0012807, OMIM 612138.
Autosomal recessive limb-girdle muscular dystrophy type 2Q (LGMDR17). Also called: MUSCULAR DYSTROPHY, LIMB-GIRDLE, AUTOSOMAL RECESSIVE 17. Identifiers: Orphanet 254361, MedGen C3150989, MONDO:0013390, OMIM 613723.
Epidermolysis bullosa simplex with nail dystrophy (EBS5D). Identifiers: MedGen C4225309, MONDO:0014661, OMIM 616487.
Epidermolysis bullosa simplex 5B, with muscular dystrophy (EBS5B). Also called: Epidermolysis bullosa simplex with muscular dystrophy; EPIDERMOLYSIS BULLOSA SIMPLEX AND LIMB-GIRDLE MUSCULAR DYSTROPHY. Identifiers: Orphanet 257, MedGen C2931072, MONDO:0009181, OMIM 226670.
Epidermolysis bullosa simplex, Ogna type (EBS5A). Also called: EPIDERMOLYSIS BULLOSA SIMPLEX 5A, OGNA TYPE; Pidermolysis bullosa simplex 5A, Ogna type. Identifiers: Orphanet 79401, MedGen C0432317, MONDO:0007555, OMIM 131950.

Submissions (2):

Labcorp Genetics (formerly Invitae), Labcorp
Classification: Pathogenic for Autosomal recessive limb-girdle muscular dystrophy type 2Q; Epidermolysis bullosa simplex, Ogna type; Epidermolysis bullosa simplex with nail dystrophy; Epidermolysis bullosa simplex 5C, with pyloric atresia; Epidermolysis bullosa simplex 5B, with muscular dystrophy. Last evaluated: 2024-05-20. Review status: criteria provided, single submitter. Criteria: Invitae Variant Classification Sherloc (09022015). Collection method: clinical testing. Allele origin: germline.
Comment: This sequence change creates a premature translational stop signal (p.Ser2723Alafs*10) in the PLEC gene. While this is not anticipated to result in nonsense mediated decay, it is expected to disrupt the last 1852 amino acid(s) of the PLEC protein. This variant is present in population databases (no rsID available, gnomAD 0.007%). This variant has not been reported in the literature in individuals affected with PLEC-related conditions. ClinVar contains an entry for this variant (Variation ID: 840189). This variant disrupts a region of the PLEC protein in which other variant(s) (p.Arg3029*) have been determined to be pathogenic (PMID: 10652002, 15654962, 20665883, 23289980). This suggests that this is a clinically significant region of the protein, and that variants that disrupt it are likely to be disease-causing. For these reasons, this variant has been classified as Pathogenic.

Revvity Omics, Revvity
Classification: Pathogenic. Last evaluated: 2019-04-30. Review status: criteria provided, single submitter. Criteria: ACMG Guidelines, 2015. Collection method: clinical testing. Allele origin: germline.

Literature cited by the submitters: PubMed 10652002 (cited by Labcorp Genetics (formerly Invitae), Labcorp); PubMed 15654962 (cited by Labcorp Genetics (formerly Invitae), Labcorp); PubMed 20665883 (cited by Labcorp Genetics (formerly Invitae), Labcorp); PubMed 23289980 (cited by Labcorp Genetics (formerly Invitae), Labcorp).